The following is an entry in ClinVar:

NM_001080.3(ALDH5A1):c.*253C>A

Gene: ALDH5A1 (aldehyde dehydrogenase 5 family member A1; plus strand). Cytogenetic location: 6p22.3.
Variant type: single nucleotide variant.
Coding change: c.*253C>A on transcript NM_001080.3 (MANE Select); 253 bases downstream of the stop codon, C replaced by A.
Molecular consequence: 3 prime UTR variant.
Genome position (GRCh38, 1-based): chr6:24,533,965, C>A. VCF-style: chr6-24533965-C-A. GRCh37 (hg19) VCF-style: chr6-24534193-C-A.
Other names: c.*253C>A (NM_001368954.1, NM_170740.1).
Identifiers: ClinVar variation 356145 (VCV000356145.6), dbSNP rs1054899, ClinGen allele CA10621795.

ClinVar aggregate classification (germline): Benign. Review status: criteria provided, multiple submitters, no conflicts (2 of 4 stars). 2 submissions from 2 submitters: Benign (2). Last evaluated 2018-07-15.

Conditions:
Succinate-semialdehyde dehydrogenase deficiency (SSADHD). Also called: Succinic Semialdehyde Dehydrogenase Deficiency; 4-HYDROXYBUTYRIC ACIDURIA; GABA METABOLIC DEFECT; SSADH DEFICIENCY. Identifiers: Orphanet 22, MedGen C0268631, MONDO:0010083, OMIM 271980.

Allele frequency attached by ClinVar (database versions not stated): 1000 Genomes Project 0.38059; 1000 Genomes Project 30x 0.39085; gnomAD 0.41366 and 0.42316; TOPMed 0.41689.
gnomAD v4.1: 160,235 of 443,856 alleles (36%); highest among the groups gnomAD compares: African/African-American, 63%; 31,718 homozygotes.

Submissions (2):

GeneDx
Classification: Benign. Last evaluated: 2018-07-15. Review status: criteria provided, single submitter. Criteria: GeneDx Variant Classification Process June 2021. Collection method: clinical testing. Allele origin: germline. Affected: yes.

Illumina Laboratory Services, Illumina
Classification: Benign for Succinate-semialdehyde dehydrogenase deficiency. Last evaluated: 2018-01-12. Review status: criteria provided, single submitter. Criteria: ICSL Variant Classification Criteria 13 December 2019. Collection method: clinical testing. Allele origin: germline.
Comment: This variant was observed in the ICSL laboratory as part of a predisposition screen in an ostensibly healthy population. It had not been previously curated by ICSL or reported in the Human Gene Mutation Database (HGMD: prior to June 1st, 2018), and was therefore a candidate for classification through an automated scoring system. Utilizing variant allele frequency, disease prevalence and penetrance estimates, and inheritance mode, an automated score was calculated to assess if this variant is too frequent to cause the disease. Based on the score and internal cut-off values, a variant classified as benign is not then subjected to further curation. The score for this variant resulted in a classification of benign for this disease.